The following is an entry in ClinVar:

ClinVar aggregate classification (germline): Uncertain significance (1 of 4 stars; one submission).

Allele frequency attached by ClinVar (database versions not stated): gnomAD exomes 0.00001; ExAC 0.00002.
gnomAD v4.1: 7 of 1,587,092 alleles (0.00044%); highest among the groups gnomAD compares: Admixed American, 0.0069%; no homozygotes.

Submission:

Labcorp Genetics (formerly Invitae), Labcorp
Classification: Uncertain significance. Last evaluated: 2024-10-09. Review status: criteria provided, single submitter. Criteria: Invitae Variant Classification Sherloc (09022015). Collection method: clinical testing. Allele origin: germline.
Comment: This sequence change replaces histidine, which is basic and polar, with tyrosine, which is neutral and polar, at codon 1060 of the RIMS1 protein (p.His1060Tyr). This variant is present in population databases (rs756682731, gnomAD 0.02%). This variant has not been reported in the literature in individuals affected with RIMS1-related conditions. ClinVar contains an entry for this variant (Variation ID: 1945044). An algorithm developed to predict the effect of missense changes on protein structure and function (PolyPhen-2) suggests that this variant is likely to be tolerated. In summary, the available evidence is currently insufficient to determine the role of this variant in disease. Therefore, it has been classified as a Variant of Uncertain Significance.

NM_014989.7(RIMS1):c.3178C>T (p.His1060Tyr)

Gene: RIMS1 (regulating synaptic membrane exocytosis 1; plus strand). Cytogenetic location: 6q13.
Variant type: single nucleotide variant.
Coding change: c.3178C>T on transcript NM_014989.7 (MANE Select); coding-DNA position 3178, C replaced by T.
Protein change: p.His1060Tyr; replaces histidine 1060 with tyrosine.
Molecular consequence: missense variant. On other transcripts: intron variant (58).
Genome position (GRCh38, 1-based): chr6:72,265,036, C>T. VCF-style: chr6-72265036-C-T. GRCh37 (hg19) VCF-style: chr6-72974739-C-T.
Other names: c.1597C>T, p.His533Tyr (NM_001350418.2, NM_001350434.2, NM_001350436.2); c.1600C>T, p.His534Tyr (NM_001350458.2); c.1555C>T, p.His519Tyr (NM_001350470.2); c.1470-924C>T (NM_001350428.2, NM_001350459.2, NM_001350424.2 and 1 more transcripts); c.1467-924C>T (NM_001350437.2, NM_001350430.2, NM_001350421.2 and 1 more transcripts); c.1539-924C>T (NM_001350433.2, NM_001350446.2, NM_001350442.2 and 8 more transcripts); c.1538+4269C>T (NM_001350431.2); c.1476-924C>T (NM_001350457.2); and 13 more; short protein forms H1060Y, H519Y, H533Y, H534Y.
Identifiers: ClinVar variation 1945044 (VCV001945044.5), dbSNP rs756682731, ClinGen allele CA3886156.